The following is an entry in ClinVar:

ClinVar aggregate classification (germline): Pathogenic/Likely pathogenic. Review status: criteria provided, multiple submitters, no conflicts (2 of 4 stars). 8 submissions from 8 submitters: Pathogenic (6); Likely pathogenic (1). 1 of the submissions does not count toward it. Last evaluated 2026-06-10.

Conditions:
PEX10-related disorder. Also called: PEX10-related condition.
Zellweger spectrum disorders (ZS). Also called: Zellweger Spectrum Disorder; Zellweger Spectrum; Zellweger Spectrum Disorder (ZSD); Zellweger syndrome. Identifiers: Orphanet 912, MedGen C0043459, MONDO:0019609.
Peroxisome biogenesis disorder, complementation group 7 (CG7). Also called: Peroxisome biogenesis disorder, complementation group B. Identifiers: MedGen C1864399.
Peroxisome biogenesis disorder 6A (Zellweger). Also called: Peroxisome biogenesis disorder 6A. Identifiers: Orphanet 912, MedGen C3553947, MONDO:0013936, OMIM 614870.
Peroxisome biogenesis disorder 6B (PBD6B). Identifiers: Orphanet 44, MedGen C3553948, MONDO:0013937, OMIM 614871.
Peroxisome biogenesis disorder. Identifiers: Orphanet 79189, MedGen C1832200, MONDO:0019234. Disease mechanism: loss of function.

Submissions (8):

PreventionGenetics, part of Exact Sciences
Classification: Pathogenic for PEX10-related condition. Last evaluated: 2026-06-10. Review status: criteria provided, single submitter. Criteria: ACMG Guidelines, 2015. Collection method: clinical testing. Allele origin: germline.
Comment: The PEX10 c.4delG variant is predicted to result in a frameshift and premature protein termination (p.Ala2Profs*10). This variant along with another truncation variant in this gene was reported in an individual with Zellweger syndrome (Table 4, Steinberg et al 2004. PubMed ID: 15542397). This variant is reported in 0.0037% of alleles in individuals of European (Non-Finnish) descent in gnomAD. Frameshift variants in PEX10 are expected to be pathogenic. This variant is interpreted as pathogenic.

Women's Health and Genetics/Laboratory Corporation of America, LabCorp
Classification: Pathogenic for Peroxisome biogenesis disorder. Last evaluated: 2026-06-04. Review status: criteria provided, single submitter. Criteria: LabCorp Variant Classification Summary - May 2015. Collection method: clinical testing. Allele origin: germline.
Comment: Variant summary: PEX10 c.4delG (p.Ala2ProfsX10) results in a premature termination codon, predicted to cause a truncation of the encoded protein or absence of the protein due to nonsense mediated decay, which are commonly known mechanisms for disease. Loss-of-function variants in this gene are known to be pathogenic. The frequency data for this variant in gnomAD is considered unreliable, as metrics indicate poor data quality at this position. c.4delG has been observed in at least one compound heterozygous individual affected with Zellweger Syndrome (Steinberg_2004, Yik_2009). One publication reports experimental evidence and shows that patient fibroblasts with this variant in compound heterozygosity with p.E298X have approximately 23% mutated PEX transcripts compared to healthy controls (Dranchak_2011). The following publications have been ascertained in the context of this evaluation (PMID: 21465523, 15542397, 19105186, 30640048). ClinVar contains an entry for this variant (Variation ID: 449304). Based on the evidence outlined above, the variant was classified as pathogenic.

Natera, Inc.
Classification: Pathogenic for Zellweger syndrome. Last evaluated: 2025-08-07. Review status: criteria provided, single submitter. Criteria: Natera Variant Classification Schema (03/2026). Collection method: clinical testing. Allele origin: germline.
Comment: The c.4delG variant in PEX10 is a frameshift variant predicted to shift the reading frame beginning at codon 2 and leads to a stop codon 10 codons downstream. This variant is expected to result in nonsense mediated decay, truncation, or a dysfunctional protein product. This variant is rare in the general population with a frequency below the threshold expected for the associated phenotype(s). This variant has been observed in one or more individuals affected with the associated recessive disease, as either homozygous or compound heterozygous with a second variant (PMID: 15542397). Given the available evidence, this variant is classified as Pathogenic.

Blueprint Genetics
Classification: Likely pathogenic for PEX10-related disorders. Last evaluated: 2024-09-15. Review status: criteria provided, single submitter. Criteria: ACMG Guidelines, 2015. Collection method: clinical testing. Allele origin: germline. Affected: yes. Observed: 5 variant alleles.

Baylor Genetics
Classification: Pathogenic for Peroxisome biogenesis disorder 6A (Zellweger). Last evaluated: 2024-02-22. Review status: criteria provided, single submitter. Criteria: ACMG Guidelines, 2015. Collection method: clinical testing. Allele origin: unknown.

Labcorp Genetics (formerly Invitae), Labcorp
Classification: Pathogenic for Peroxisome biogenesis disorder, complementation group 7. Last evaluated: 2023-08-29. Review status: criteria provided, single submitter. Criteria: Invitae Variant Classification Sherloc (09022015). Collection method: clinical testing. Allele origin: germline.
Comment: This sequence change creates a premature translational stop signal (p.Ala2Profs*10) in the PEX10 gene. It is expected to result in an absent or disrupted protein product. Loss-of-function variants in PEX10 are known to be pathogenic (PMID: 9683594, 10862081, 21031596). For these reasons, this variant has been classified as Pathogenic. ClinVar contains an entry for this variant (Variation ID: 449304). This premature translational stop signal has been observed in individual(s) with Zellweger syndrome spectrum (PMID: 15542397). This variant is not present in population databases (gnomAD no frequency).

GeneDx
Classification: Pathogenic. Last evaluated: 2017-05-15. Review status: criteria provided, single submitter. Criteria: GeneDx Variant Classification (06012015). Collection method: clinical testing. Allele origin: germline. Affected: yes.
Comment: The c.4delG variant in the PEX10 gene has been reported previously in an individual with Zellwegersyndrome who also harbored a PEX10 nonsense variant, although parental studies were not performedto determine the phase of these two variants (Steinberg et al., 2004). One functional study indicatedthe c.4delG variant had 23% of PEX transcript in patient skin fibroblasts compared to healthycontrols (Dranchak et al., 2011). The c.4delG variant causes a frameshift starting with codon Alanine2, changes this amino acid to a Proline residue, and creates a premature Stop codon at position 10 ofthe new reading frame, denoted p.A2PfsX10. This variant is predicted to cause loss of normal proteinfunction either through protein truncation or nonsense-mediated mRNA decay. No data are availablefrom control populations to assess the frequency of this variant (Lek et al., 2016). We interpretc.4delG as a pathogenic variant.

Counsyl
Classification: Likely pathogenic for Peroxisome biogenesis disorder 6B. Last evaluated: 2017-03-23. Review status: no assertion criteria provided. Collection method: clinical testing. Allele origin: unknown. Not counted in ClinVar's aggregate classification.

Literature cited by the submitters: PubMed 19105186 (cited by Women's Health and Genetics/Laboratory Corporation of America, LabCorp); PubMed 15542397 (cited by 4 submitters); PubMed 21465523 (cited by Women's Health and Genetics/Laboratory Corporation of America, LabCorp and Counsyl); PubMed 30640048 (cited by Women's Health and Genetics/Laboratory Corporation of America, LabCorp); PubMed 9683594 (cited by Labcorp Genetics (formerly Invitae), Labcorp); PubMed 10862081 (cited by Labcorp Genetics (formerly Invitae), Labcorp); PubMed 21031596 (cited by Labcorp Genetics (formerly Invitae), Labcorp).

NM_002617.4(PEX10):c.4del (p.Ala2fs)

Gene: PEX10 (peroxisomal biogenesis factor 10; minus strand). Cytogenetic location: 1p36.32.
Variant type: Deletion.
Coding change: c.4del on transcript NM_002617.4 (MANE Select); coding-DNA position 4, one base deleted (G; older notation c.4delG).
Protein change: p.Ala2fs; shifts the reading frame from alanine 2.
Molecular consequence: frameshift variant, initiator codon variant. On other transcripts: intron variant (2).
Genome position (GRCh38, 1-based): chr1:2,412,499, C deleted on the plus strand (G on the coding strand, the reverse complement: PEX10 is on the minus strand); the first of 2 consecutive C bases (chr1:2,412,499-2,412,500); deleting either gives the same sequence. VCF-style (leftmost placement, unchanged base first): chr1-2412498-GC-G. GRCh37 (hg19) VCF-style: chr1-2343937-GC-G.
Other names: c.4del, p.Ala2fs (NM_001374425.1, NM_153818.2); c.-321+1098del (NM_001374427.1, NM_001374426.1); c.4delG (NM_153818.2, NM_153818.1); short protein forms A2fs.
Identifiers: ClinVar variation 449304 (VCV000449304.20), dbSNP rs62636524, ClinGen allele CA538319.
Genomic context (GRCh38, chr1:2,412,498, plus strand): 5'-CGGTAGTACTCGTCCTTCTGCGCCGCGCGGATCACCTCCGGGGGGCTGGCGGCGGCCGGG[GC>G]CATGGCCGCGGGTTCGGGTGGTCCCGAGCAGCCACGCCGGCCACGCCCACGCCCAGACGG-3'